The following is an entry in ClinVar:

NM_003579.4(RAD54L):c.1641G>A (p.Met547Ile)

Gene: RAD54L (RAD54 like; plus strand). Cytogenetic location: 1p34.1.
Variant type: single nucleotide variant.
Coding change: c.1641G>A on transcript NM_003579.4 (MANE Select); coding-DNA position 1641, G replaced by A.
Protein change: p.Met547Ile; replaces methionine 547 with isoleucine.
Molecular consequence: missense variant.
Genome position (GRCh38, 1-based): chr1:46,274,168, G>A. VCF-style: chr1-46274168-G-A. GRCh37 (hg19) VCF-style: chr1-46739840-G-A.
Other names: c.1641G>A, p.Met547Ile (NM_001142548.2); c.1101G>A, p.Met367Ile (NM_001370766.1); short protein forms M547I, M367I.
Identifiers: ClinVar variation 1777057 (VCV001777057.2), dbSNP rs757409617, ClinGen allele CA340183399.
Genomic context (GRCh38, chr1:46,274,168, plus strand): 5'-TATTTTCTTGGGTCTCGAATCCCCCTTCAGGTACTTATACGTCCGCCTGGATGGCACGAT[G>A]TCCATTAAGAAGCGAGCCAAGGTTGTAGAACGCTTCAATAGTCCATCGGTAAATGCACAT-3'
Protein context (NP_003570.2, residues 537-557): RYLYVRLDGT[Met547Ile]SIKKRAKVVE

ClinVar aggregate classification (germline): Uncertain significance (1 of 4 stars; one submission).

Allele frequency attached by ClinVar (database versions not stated): TOPMed below 0.00001.
gnomAD v4.1: 1 of 1,613,892 alleles (0.000062%); highest among the groups gnomAD compares: Non-Finnish European, 0.000085%; no homozygotes.

Submission:

Ambry Genetics
Classification: Uncertain significance. Last evaluated: 2023-12-10. Review status: criteria provided, single submitter. Criteria: Ambry Variant Classification Scheme 2023. Collection method: clinical testing. Allele origin: germline.
Comment: The p.M547I variant (also known as c.1641G>A), located in coding exon 15 of the RAD54L gene, results from a G to A substitution at nucleotide position 1641. The methionine at codon 547 is replaced by isoleucine, an amino acid with highly similar properties. This amino acid position is conserved. In addition, the in silico prediction for this alteration is inconclusive. Since supporting evidence is limited at this time, the clinical significance of this alteration remains unclear.